The following is an entry in ClinVar:

ClinVar aggregate classification (germline): Benign. Review status: criteria provided, multiple submitters, no conflicts (2 of 4 stars). 3 submissions from 3 submitters: Benign (3). Last evaluated 2026-01-11.

Conditions:
46 XY differences of sex development. Also called: 46,XY disorder of sex development; 46, XY disorder of sex development (DSD). Identifiers: Orphanet 98085, MedGen C2751824, MONDO:0020040.
Oligosynaptic infertility (SPGF1). Also called: SPERMATOGENIC FAILURE 1; OLIGOCHIASMATIC INFERTILITY. Identifiers: MedGen C0403810, MONDO:0009776, OMIM 258150.

Allele frequency attached by ClinVar (database versions not stated): ExAC 0.01150; gnomAD 0.02031 and 0.02176; 1000 Genomes Project 0.02057; ESP Exome Variant Server 0.02135; 1000 Genomes Project 30x 0.02186; TOPMed 0.02295.

Submissions (3):

Labcorp Genetics (formerly Invitae), Labcorp
Classification: Benign for 46 XY differences of sex development; Oligosynaptic infertility. Last evaluated: 2026-01-11. Review status: criteria provided, single submitter. Criteria: Invitae Variant Classification Sherloc (09022015). Collection method: clinical testing. Allele origin: germline.

GeneDx
Classification: Benign. Last evaluated: 2018-03-01. Review status: criteria provided, single submitter. Criteria: GeneDx Variant Classification (06012015). Collection method: clinical testing. Allele origin: germline. Affected: yes.
Comment: This variant is considered likely benign or benign based on one or more of the following criteria: it is a conservative change, it occurs at a poorly conserved position in the protein, it is predicted to be benign by multiple in silico algorithms, and/or has population frequency not consistent with disease.

Breakthrough Genomics
Classification: Benign. Review status: criteria provided, single submitter. Criteria: ACMG Guidelines, 2015. Collection method: not provided. Allele origin: germline. Inheritance: Autosomal dominant inheritance. Affected: yes.

NM_004959.5(NR5A1):c.225G>C (p.Thr75=)

Gene: NR5A1 (nuclear receptor subfamily 5 group A member 1; minus strand). Cytogenetic location: 9q33.3.
Variant type: single nucleotide variant.
Coding change: c.225G>C on transcript NM_004959.5 (MANE Select); coding-DNA position 225, G replaced by C.
Protein change: p.Thr75=; no amino-acid change (threonine 75 retained).
Molecular consequence: synonymous variant.
Genome position (GRCh38, 1-based): chr9:124,503,098, C>G on the plus strand (G>C on the coding strand, the complement: NR5A1 is on the minus strand). VCF-style: chr9-124503098-C-G. GRCh37 (hg19) VCF-style: chr9-127265377-C-G.
Identifiers: ClinVar variation 512969 (VCV000512969.11), dbSNP rs138805488, ClinGen allele CA5235546.